The following is an entry in ClinVar:

NM_001231.5(CASQ1):c.697G>A (p.Glu233Lys)

Gene: CASQ1 (calsequestrin 1; plus strand). Cytogenetic location: 1q23.2.
Variant type: single nucleotide variant.
Coding change: c.697G>A on transcript NM_001231.5 (MANE Select); coding-DNA position 697, G replaced by A.
Protein change: p.Glu233Lys; replaces glutamic acid 233 with lysine.
Molecular consequence: missense variant.
Genome position (GRCh38, 1-based): chr1:160,195,942, G>A. VCF-style: chr1-160195942-G-A. GRCh37 (hg19) VCF-style: chr1-160165732-G-A.
Other names: c.697G>A (NM_001231.4); short protein forms E233K.
Identifiers: ClinVar variation 1406103 (VCV001406103.11), dbSNP rs761244024, ClinGen allele CA1196300.

ClinVar aggregate classification (germline): Uncertain significance. Review status: criteria provided, multiple submitters, no conflicts (2 of 4 stars). 2 submissions from 2 submitters: Uncertain significance (2). Last evaluated 2025-03-24.

Allele frequency attached by ClinVar (database versions not stated): gnomAD exomes 0.00002 and 0.00004; ExAC 0.00005; TOPMed 0.00005; gnomAD 0.00006.
gnomAD v4.1: 33 of 1,613,858 alleles (0.002%); highest among the groups gnomAD compares: African/African-American, 0.008%; no homozygotes.

Submissions (2):

Labcorp Genetics (formerly Invitae), Labcorp
Classification: Uncertain significance. Last evaluated: 2025-03-24. Review status: criteria provided, single submitter. Criteria: Invitae Variant Classification Sherloc (09022015). Collection method: clinical testing. Allele origin: germline.
Comment: This sequence change replaces glutamic acid, which is acidic and polar, with lysine, which is basic and polar, at codon 233 of the CASQ1 protein (p.Glu233Lys). This variant is present in population databases (rs761244024, gnomAD 0.05%). This variant has not been reported in the literature in individuals affected with CASQ1-related conditions. ClinVar contains an entry for this variant (Variation ID: 1406103). Invitae Evidence Modeling of protein sequence and biophysical properties (such as structural, functional, and spatial information, amino acid conservation, physicochemical variation, residue mobility, and thermodynamic stability) indicates that this missense variant is not expected to disrupt CASQ1 protein function with a negative predictive value of 80%. In summary, the available evidence is currently insufficient to determine the role of this variant in disease. Therefore, it has been classified as a Variant of Uncertain Significance.

GeneDx
Classification: Uncertain significance. Last evaluated: 2022-11-18. Review status: criteria provided, single submitter. Criteria: GeneDx Variant Classification Process June 2021. Collection method: clinical testing. Allele origin: germline. Affected: yes.
Comment: In silico analysis supports that this missense variant does not alter protein structure/function; Has not been previously published as pathogenic or benign to our knowledge